The following is an entry in ClinVar:

ClinVar aggregate classification (germline): Uncertain significance. Review status: criteria provided, multiple submitters, no conflicts (2 of 4 stars). 3 submissions from 3 submitters: Uncertain significance (3). Last evaluated 2024-11-26.

Allele frequency attached by ClinVar (database versions not stated): gnomAD exomes 0.00008; ExAC 0.00010; TOPMed 0.00014; ESP Exome Variant Server 0.00015; gnomAD 0.00018 and 0.00019.
gnomAD v4.1: 536 of 1,614,096 alleles (0.033%); highest among the groups gnomAD compares: Non-Finnish European, 0.043%; 1 homozygote.

Submissions (3):

Blueprint Genetics
Classification: Uncertain significance. Last evaluated: 2024-11-26. Review status: criteria provided, single submitter. Criteria: ACMG Guidelines, 2015. Collection method: clinical testing. Allele origin: germline.

Labcorp Genetics (formerly Invitae), Labcorp
Classification: Uncertain significance. Last evaluated: 2022-10-17. Review status: criteria provided, single submitter. Criteria: Invitae Variant Classification Sherloc (09022015). Collection method: clinical testing. Allele origin: germline.
Comment: This sequence change replaces arginine, which is basic and polar, with glutamine, which is neutral and polar, at codon 418 of the EXTL3 protein (p.Arg418Gln). This variant is present in population databases (rs138130005, gnomAD 0.02%). This variant has not been reported in the literature in individuals affected with EXTL3-related conditions. ClinVar contains an entry for this variant (Variation ID: 1054750). Advanced modeling of protein sequence and biophysical properties (such as structural, functional, and spatial information, amino acid conservation, physicochemical variation, residue mobility, and thermodynamic stability) performed at Invitae indicates that this missense variant is not expected to disrupt EXTL3 protein function. In summary, the available evidence is currently insufficient to determine the role of this variant in disease. Therefore, it has been classified as a Variant of Uncertain Significance.

Breakthrough Genomics
Classification: Uncertain significance. Review status: criteria provided, single submitter. Criteria: ACMG Guidelines, 2015. Collection method: not provided. Allele origin: germline. Inheritance: Autosomal recessive inheritance. Affected: yes.

NM_001440.4(EXTL3):c.1253G>A (p.Arg418Gln)

Gene: EXTL3 (exostosin like glycosyltransferase 3; plus strand). Cytogenetic location: 8p21.1.
Variant type: single nucleotide variant.
Coding change: c.1253G>A on transcript NM_001440.4 (MANE Select); coding-DNA position 1253, G replaced by A.
Protein change: p.Arg418Gln; replaces arginine 418 with glutamine.
Molecular consequence: missense variant.
Genome position (GRCh38, 1-based): chr8:28,717,312, G>A. VCF-style: chr8-28717312-G-A. GRCh37 (hg19) VCF-style: chr8-28574829-G-A.
Other names: short protein forms R418Q.
Identifiers: ClinVar variation 1054750 (VCV001054750.4), dbSNP rs138130005, ClinGen allele CA4696173.